The following is an entry in ClinVar:

NM_173630.4(RTTN):c.6023A>G (p.Asn2008Ser)

Gene: RTTN (rotatin; minus strand). Cytogenetic location: 18q22.2.
Variant type: single nucleotide variant.
Coding change: c.6023A>G on transcript NM_173630.4 (MANE Select); coding-DNA position 6023, A replaced by G.
Protein change: p.Asn2008Ser; replaces asparagine 2008 with serine.
Molecular consequence: missense variant.
Genome position (GRCh38, 1-based): chr18:70,020,745, T>C on the plus strand (A>G on the coding strand, the complement: RTTN is on the minus strand). VCF-style: chr18-70020745-T-C. GRCh37 (hg19) VCF-style: chr18-67687981-T-C.
Other names: c.3287A>G, p.Asn1096Ser (NM_001318520.2); short protein forms N1096S, N2008S.
Identifiers: ClinVar variation 2091233 (VCV002091233.4), dbSNP rs2511835544, ClinGen allele CA402684575.

ClinVar aggregate classification (germline): Uncertain significance (1 of 4 stars; one submission).

Submission:

Labcorp Genetics (formerly Invitae), Labcorp
Classification: Uncertain significance. Last evaluated: 2022-02-09. Review status: criteria provided, single submitter. Criteria: Invitae Variant Classification Sherloc (09022015). Collection method: clinical testing. Allele origin: germline.
Comment: This sequence change replaces asparagine, which is neutral and polar, with serine, which is neutral and polar, at codon 2008 of the RTTN protein (p.Asn2008Ser). This variant is not present in population databases (gnomAD no frequency). This variant has not been reported in the literature in individuals affected with RTTN-related conditions. Algorithms developed to predict the effect of missense changes on protein structure and function output the following: SIFT: "Tolerated"; PolyPhen-2: "Benign"; Align-GVGD: "Class C0". The serine amino acid residue is found in multiple mammalian species, which suggests that this missense change does not adversely affect protein function. In summary, the available evidence is currently insufficient to determine the role of this variant in disease. Therefore, it has been classified as a Variant of Uncertain Significance.